The following is an entry in ClinVar:

ClinVar aggregate classification (germline): Uncertain significance (1 of 4 stars; one submission).

gnomAD v4.1: 1 of 1,614,032 alleles (0.000062%); highest among the groups gnomAD compares: East Asian, 0.0022%; no homozygotes.

Submission:

Women's Health and Genetics/Laboratory Corporation of America, LabCorp
Classification: Uncertain significance. Last evaluated: 2026-06-02. Review status: criteria provided, single submitter. Criteria: LabCorp Variant Classification Summary - May 2015. Collection method: clinical testing. Allele origin: germline.
Comment: Variant summary: COL4A4 c.2221G>C (p.Val741Leu) results in a conservative amino acid change in the encoded protein sequence. Algorithms developed to predict the effect of missense changes on protein structure and function all suggest that this variant is likely to be tolerated. The variant was absent in 249306 control chromosomes. The available data on variant occurrences in the general population are insufficient to allow any conclusion about variant significance. To our knowledge, no occurrence of c.2221G>C in individuals affected with COL4A4-related conditions and no experimental evidence demonstrating its impact on protein function have been reported. No submitters have cited clinical-significance assessments for this variant to ClinVar. Based on the evidence outlined above, the variant was classified as uncertain significance.

NM_000092.5(COL4A4):c.2221G>C (p.Val741Leu)

Gene: COL4A4 (collagen type IV alpha 4 chain; minus strand). Cytogenetic location: 2q36.3.
Variant type: single nucleotide variant.
Coding change: c.2221G>C on transcript NM_000092.5 (MANE Select); coding-DNA position 2221, G replaced by C.
Protein change: p.Val741Leu; replaces valine 741 with leucine.
Molecular consequence: missense variant.
Genome position (GRCh38, 1-based): chr2:227,059,567, C>G on the plus strand (G>C on the coding strand, the complement: COL4A4 is on the minus strand). VCF-style: chr2-227059567-C-G. GRCh37 (hg19) VCF-style: chr2-227924283-C-G.
Other names: short protein forms V741L.
Identifiers: ClinVar variation 4887571 (VCV004887571.1).
Genomic context (GRCh38, chr2:227,059,567, plus strand): 5'-CTCCCGGGATTCCTTTCTGACCATTCACTCCTGGTGAGCCGGGAGGGCCTGGGGGCCCAA[C>G]AGGGGAGGACCCCTTTTCACCTCCAAAACCCGGATCTCCCATGTCACCACGAAAACCTAT-3'
Protein context (NP_000083.3, residues 731-751): GFGGEKGSSP[Val741Leu]GPPGPPGSPG